The following is an entry in ClinVar:

NM_001377275.1(PER3):c.2934C>T (p.Thr978=)

Gene: PER3 (period circadian regulator 3; plus strand). Cytogenetic location: 1p36.23.
Variant type: single nucleotide variant.
Coding change: c.2934C>T on transcript NM_001377275.1 (MANE Select); coding-DNA position 2934, C replaced by T.
Protein change: p.Thr978=; no amino-acid change (threonine 978 retained).
Molecular consequence: synonymous variant.
Genome position (GRCh38, 1-based): chr1:7,829,881, C>T. VCF-style: chr1-7829881-C-T. GRCh37 (hg19) VCF-style: chr1-7889941-C-T.
Other names: c.2931C>T, p.Thr977= (NM_001289861.2); c.2934C>T, p.Thr978= (NM_001289862.2); c.2910C>T, p.Thr970= (NM_001289863.3, NM_001377276.1); c.1974C>T, p.Thr658= (NM_001289864.3); c.2907C>T, p.Thr969= (NM_016831.4).
Identifiers: ClinVar variation 3060144 (VCV003060144.2), dbSNP rs2640908, ClinGen allele CA568575.

ClinVar aggregate classification (germline): Benign (0 of 4 stars; one submission).

Conditions:
PER3-related disorder. Also called: PER3-related condition.

Allele frequency attached by ClinVar (database versions not stated): gnomAD exomes 0.19529; gnomAD 0.22175; ESP Exome Variant Server 0.22690; ExAC 0.22691; TOPMed 0.23089; 1000 Genomes Project 30x 0.29513; 1000 Genomes Project 0.30431.
gnomAD v4.1: 319,833 of 1,609,316 alleles (20%); highest among the groups gnomAD compares: East Asian, 49%; 36,043 homozygotes.

Submission:

PreventionGenetics, part of Exact Sciences
Classification: Benign for PER3-related condition. Last evaluated: 2019-10-17. Review status: no assertion criteria provided. Collection method: clinical testing. Allele origin: germline.
Comment: This variant is classified as benign based on ACMG/AMP sequence variant interpretation guidelines (Richards et al. 2015 PMID: 25741868, with internal and published modifications).